The following is an entry in ClinVar:

NM_004239.4(TRIP11):c.1652T>G (p.Met551Arg)

Gene: TRIP11 (thyroid hormone receptor interactor 11; minus strand). Cytogenetic location: 14q32.12.
Variant type: single nucleotide variant.
Coding change: c.1652T>G on transcript NM_004239.4 (MANE Select); coding-DNA position 1652, T replaced by G.
Protein change: p.Met551Arg; replaces methionine 551 with arginine.
Molecular consequence: missense variant.
Genome position (GRCh38, 1-based): chr14:92,006,324, A>C on the plus strand (T>G on the coding strand, the complement: TRIP11 is on the minus strand). VCF-style: chr14-92006324-A-C. GRCh37 (hg19) VCF-style: chr14-92472668-A-C.
Other names: c.1649T>G, p.Met550Arg (NM_001321851.1); short protein forms M550R, M551R.
Identifiers: ClinVar variation 2116870 (VCV002116870.1), dbSNP rs771859255, ClinGen allele CA7313889.

ClinVar aggregate classification (germline): Uncertain significance (1 of 4 stars; one submission).

Conditions:
Achondrogenesis, type IA (ACG1A). Identifiers: Orphanet 932, Orphanet 93299, MedGen C0265273, MONDO:0008701, OMIM 200600.

Allele frequency attached by ClinVar (database versions not stated): gnomAD exomes below 0.00001; ExAC 0.00001; gnomAD 0.00002; TOPMed 0.00002.
gnomAD v4.1: 6 of 1,610,314 alleles (0.00037%); highest among the groups gnomAD compares: African/African-American, 0.008%; no homozygotes.

Submission:

Labcorp Genetics (formerly Invitae), Labcorp
Classification: Uncertain significance for Achondrogenesis, type IA. Last evaluated: 2022-09-07. Review status: criteria provided, single submitter. Criteria: Invitae Variant Classification Sherloc (09022015). Collection method: clinical testing. Allele origin: germline.
Comment: This sequence change replaces methionine, which is neutral and non-polar, with arginine, which is basic and polar, at codon 551 of the TRIP11 protein (p.Met551Arg). This variant is present in population databases (rs771859255, gnomAD 0.01%). This variant has not been reported in the literature in individuals affected with TRIP11-related conditions. Algorithms developed to predict the effect of missense changes on protein structure and function are either unavailable or do not agree on the potential impact of this missense change (SIFT: "Not Available"; PolyPhen-2: "Benign"; Align-GVGD: "Not Available"). In summary, the available evidence is currently insufficient to determine the role of this variant in disease. Therefore, it has been classified as a Variant of Uncertain Significance.